The following is an entry in ClinVar:

ClinVar aggregate classification (germline): Uncertain significance. Review status: criteria provided, multiple submitters, no conflicts (2 of 4 stars). 4 submissions from 4 submitters: Uncertain significance (4). Last evaluated 2025-02-12.

Conditions:
Cardiovascular phenotype. Identifiers: MedGen CN230736.
Cardiomyopathy (CMYO). Also called: Cardiomyopathies. Identifiers: Orphanet 167848, MedGen C0878544, MONDO:0004994, HP:0001638. Inheritance: Various modes of inheritance.
Hypertrophic cardiomyopathy. Also called: HYPERTROPHIC MYOCARDIOPATHY. Identifiers: Orphanet 217569, MedGen C0007194, MeSH D002312, MONDO:0005045, HP:0001639.

Allele frequency attached by ClinVar (database versions not stated): ExAC 0.00002.
gnomAD v4.1: 2 of 1,614,226 alleles (0.00012%); highest among the groups gnomAD compares: Non-Finnish European, 0.00017%; no homozygotes.

Submissions (4):

Labcorp Genetics (formerly Invitae), Labcorp
Classification: Uncertain significance for Hypertrophic cardiomyopathy. Last evaluated: 2025-02-12. Review status: criteria provided, single submitter. Criteria: Invitae Variant Classification Sherloc (09022015). Collection method: clinical testing. Allele origin: germline.
Comment: This sequence change replaces histidine, which is basic and polar, with proline, which is neutral and non-polar, at codon 1524 of the MYH7 protein (p.His1524Pro). This variant is present in population databases (rs767148171, gnomAD 0.002%). This variant has not been reported in the literature in individuals affected with MYH7-related conditions. ClinVar contains an entry for this variant (Variation ID: 520270). Invitae Evidence Modeling of protein sequence and biophysical properties (such as structural, functional, and spatial information, amino acid conservation, physicochemical variation, residue mobility, and thermodynamic stability) indicates that this missense variant is expected to disrupt MYH7 protein function with a positive predictive value of 95%. In summary, the available evidence is currently insufficient to determine the role of this variant in disease. Therefore, it has been classified as a Variant of Uncertain Significance.

All of Us Research Program, National Institutes of Health
Classification: Uncertain significance for Cardiomyopathy. Last evaluated: 2024-06-09. Review status: criteria provided, single submitter. Criteria: ACMG Guidelines, 2015. Collection method: clinical testing. Allele origin: germline. Inheritance: Autosomal dominant inheritance. Observed: 2 variant alleles, 2 heterozygotes.
Comment: This missense variant replaces histidine with proline at codon 1524 of the MYH7 protein. Computational prediction tools indicate that this variant has a deleterious impact on protein structure and function. To our knowledge, functional studies have not been reported for this variant. This variant has not been reported in individuals affected with MYH7-related disorders in the literature. This variant has been identified in 2/251484 chromosomes in the general population by the Genome Aggregation Database (gnomAD). The available evidence is insufficient to determine the role of this variant in disease conclusively. Therefore, this variant is classified as a Variant of Uncertain Significance.

This study involves interpretation of variants in research participants for the purpose of population health screening. Participant phenotype was not available at the time of variant classification. Additional details can be found in publication PMID: 35346344, PMCID: PMC8962531

GeneDx
Classification: Uncertain significance. Last evaluated: 2021-06-17. Review status: criteria provided, single submitter. Criteria: GeneDx Variant Classification Process June 2021. Collection method: clinical testing. Allele origin: germline. Affected: yes.
Comment: Has not been previously published as pathogenic or benign to our knowledge; Not observed at significant frequency in large population cohorts (Lek et al., 2016); In silico analysis supports that this missense variant has a deleterious effect on protein structure/function; Reported in ClinVar but additional evidence is not available (ClinVar Variant ID#520270; Landrum et al., 2016); This variant is associated with the following publications: (PMID: 27535533)

Ambry Genetics
Classification: Uncertain significance for Cardiovascular phenotype. Last evaluated: 2016-03-03. Review status: criteria provided, single submitter. Criteria: Ambry Variant Classification Scheme 2023. Collection method: clinical testing. Allele origin: germline.
Comment: The p.H1524P variant (also known as c.4571A>C), located in coding exon 31 of the MYH7 gene, results from an A to C substitution at nucleotide position 4571. The histidine at codon 1524 is replaced by proline, an amino acid with some similar properties. This variant was previously reported in the SNPDatabase as rs767148171. Based on data from ExAC, the C allele was reported in 2 of 121376 (0.002%) total alleles (Exome Aggregation Consortium (ExAC), Cambridge, MA (URL) [Accessed February 12, 2016]). This variant was not reported in population based cohorts in the following databases: NHLBI Exome Sequencing Project (ESP) and 1000 Genomes Project. In the ESP, this variant was not observed in 6503 samples (13006 alleles) with coverage at this position. This amino acid position is highly conserved in available vertebrate species. In addition, the in silico prediction for this alteration is inconclusive. Since supporting evidence is limited at this time, the clinical significance of this alteration remains unclear.

NM_000257.4(MYH7):c.4571A>C (p.His1524Pro)

Genes: MHRT (myosin heavy chain associated RNA transcript; plus strand), MYH7 (myosin heavy chain 7; minus strand). Cytogenetic location: 14q11.2.
Variant type: single nucleotide variant.
Coding change: c.4571A>C on transcript NM_000257.4 (MANE Select); coding-DNA position 4571, A replaced by C.
Protein change: p.His1524Pro; replaces histidine 1524 with proline.
Molecular consequence: missense variant. On other transcripts: non-coding transcript variant (1).
Genome position (GRCh38, 1-based): chr14:23,416,941, T>G on the plus strand (A>C on the coding strand, the complement: MYH7 is on the minus strand). VCF-style: chr14-23416941-T-G. GRCh37 (hg19) VCF-style: chr14-23886150-T-G.
Other names: c.4571A>C (LRG_384t1); short protein forms H1524P.
Identifiers: ClinVar variation 520270 (VCV000520270.15), dbSNP rs767148171, ClinGen allele CA042943.
Genomic context (GRCh38, chr14:23,416,941, plus strand): 5'-AGGGCTGACTGCAGCTCCATCTTCTCGGCCTCCAGCTGCTTTCGGACCTTCTCCAGCTCA[T>G]GGATAGTCTTTCCGCTGGAACCCAACTGCTCAGTCAAGTCGGAGATCTCCTCTGTGTGGG-3'
Protein context (NP_000248.2, residues 1514-1534): EQLGSSGKTI[His1524Pro]ELEKVRKQLE